The following is an entry in ClinVar:

ClinVar aggregate classification (germline): Uncertain significance (1 of 4 stars; one submission).

gnomAD v4.1: 1 of 1,614,230 alleles (0.000062%); highest among the groups gnomAD compares: South Asian, 0.0011%; no homozygotes.

Submission:

Labcorp Genetics (formerly Invitae), Labcorp
Classification: Uncertain significance. Last evaluated: 2022-10-24. Review status: criteria provided, single submitter. Criteria: Invitae Variant Classification Sherloc (09022015). Collection method: clinical testing. Allele origin: germline.
Comment: This sequence change replaces proline, which is neutral and non-polar, with threonine, which is neutral and polar, at codon 692 of the PCARE protein (p.Pro692Thr). This variant is present in population databases (no rsID available, gnomAD 0.003%). This variant has not been reported in the literature in individuals affected with PCARE-related conditions. ClinVar contains an entry for this variant (Variation ID: 1492243). Algorithms developed to predict the effect of missense changes on protein structure and function (SIFT, PolyPhen-2, Align-GVGD) all suggest that this variant is likely to be tolerated. In summary, the available evidence is currently insufficient to determine the role of this variant in disease. Therefore, it has been classified as a Variant of Uncertain Significance.

NM_001029883.3(PCARE):c.2074C>A (p.Pro692Thr)

Gene: PCARE (photoreceptor cilium actin regulator; minus strand). Cytogenetic location: 2p23.2.
Variant type: single nucleotide variant.
Coding change: c.2074C>A on transcript NM_001029883.3 (MANE Select); coding-DNA position 2074, C replaced by A.
Protein change: p.Pro692Thr; replaces proline 692 with threonine.
Molecular consequence: missense variant.
Genome position (GRCh38, 1-based): chr2:29,072,188, G>T on the plus strand (C>A on the coding strand, the complement: PCARE is on the minus strand). VCF-style: chr2-29072188-G-T. GRCh37 (hg19) VCF-style: chr2-29295054-G-T.
Other names: short protein forms P692T.
Identifiers: ClinVar variation 1492243 (VCV001492243.8), dbSNP rs748775127, ClinGen allele CA346478300.